The following is an entry in ClinVar:

NM_002470.4(MYH3):c.1616G>A (p.Cys539Tyr)

Gene: MYH3 (myosin heavy chain 3; minus strand). Cytogenetic location: 17p13.1.
Variant type: single nucleotide variant.
Coding change: c.1616G>A on transcript NM_002470.4 (MANE Select); coding-DNA position 1616, G replaced by A.
Protein change: p.Cys539Tyr; replaces cysteine 539 with tyrosine.
Molecular consequence: missense variant.
Genome position (GRCh38, 1-based): chr17:10,642,689, C>T on the plus strand (G>A on the coding strand, the complement: MYH3 is on the minus strand). VCF-style: chr17-10642689-C-T. GRCh37 (hg19) VCF-style: chr17-10546006-C-T.
Other names: short protein forms C539Y.
Identifiers: ClinVar variation 2091212 (VCV002091212.4), dbSNP rs2508612821, ClinGen allele CA398172115.

ClinVar aggregate classification (germline): Uncertain significance (1 of 4 stars; one submission).

Submission:

Labcorp Genetics (formerly Invitae), Labcorp
Classification: Uncertain significance. Last evaluated: 2022-01-31. Review status: criteria provided, single submitter. Criteria: Invitae Variant Classification Sherloc (09022015). Collection method: clinical testing. Allele origin: germline.
Comment: In summary, the available evidence is currently insufficient to determine the role of this variant in disease. Therefore, it has been classified as a Variant of Uncertain Significance. Advanced modeling of protein sequence and biophysical properties (such as structural, functional, and spatial information, amino acid conservation, physicochemical variation, residue mobility, and thermodynamic stability) performed at Invitae indicates that this missense variant is expected to disrupt MYH3 protein function. This variant has not been reported in the literature in individuals affected with MYH3-related conditions. This variant is not present in population databases (gnomAD no frequency). This sequence change replaces cysteine, which is neutral and slightly polar, with tyrosine, which is neutral and polar, at codon 539 of the MYH3 protein (p.Cys539Tyr).